The following is an entry in ClinVar:

NM_000138.5(FBN1):c.971A>T (p.Asp324Val)

Gene: FBN1 (fibrillin 1; minus strand). Cytogenetic location: 15q21.1.
Variant type: single nucleotide variant.
Coding change: c.971A>T on transcript NM_000138.5 (MANE Select); coding-DNA position 971, A replaced by T.
Protein change: p.Asp324Val; replaces aspartic acid 324 with valine.
Molecular consequence: missense variant.
Genome position (GRCh38, 1-based): chr15:48,526,147, T>A on the plus strand (A>T on the coding strand, the complement: FBN1 is on the minus strand). VCF-style: chr15-48526147-T-A. GRCh37 (hg19) VCF-style: chr15-48818344-T-A.
Other names: short protein forms D324V.
Identifiers: ClinVar variation 925643 (VCV000925643.3), dbSNP rs763079155, ClinGen allele CA060436.

ClinVar aggregate classification (germline): Uncertain significance (1 of 4 stars; one submission).

Conditions:
Familial thoracic aortic aneurysm and aortic dissection (TAAD). Also called: Thoracic aortic aneurysms and dissections. Identifiers: Orphanet 91387, MedGen C4707243, MONDO:0019625.

Allele frequency attached by ClinVar (database versions not stated): gnomAD exomes 0.00001.
gnomAD v4.1: 7 of 1,614,154 alleles (0.00043%); highest among the groups gnomAD compares: Non-Finnish European, 0.00059%; no homozygotes.

Submission:

Color Diagnostics, LLC DBA Color Health
Classification: Uncertain significance for Familial thoracic aortic aneurysm and aortic dissection. Last evaluated: 2019-01-22. Review status: criteria provided, single submitter. Criteria: ACMG Guidelines, 2015. Collection method: clinical testing. Allele origin: germline.
Comment: Variant of Uncertain Significance due to insufficient evidence: This missense variant is located in the calcium-binding EGF-like motif 5 of the FBN1 protein. Computational prediction tools and conservation analyses suggest that this variant may have deleterious impact on the protein function. Computational splicing tools suggest that this variant may not impact RNA splicing. To our knowledge, functional assays have not been performed for this variant nor has this variant been reported in individuals affected with cardiovascular disorders in the literature. This variant has been identified in 6/246190 chromosomes in the general population by the Genome Aggregation Database (gnomAD). Available evidence is insufficient to determine the role of this variant in disease conclusively.